The following is an entry in ClinVar:

ClinVar aggregate classification (germline): Uncertain significance (1 of 4 stars; one submission).

Conditions:
Hereditary nonpolyposis colorectal neoplasms. Identifiers: MedGen C0009405, MeSH D003123.

Allele frequency attached by ClinVar (database versions not stated): gnomAD exomes 0.00001.
gnomAD v4.1: 8 of 1,614,160 alleles (0.0005%); highest among the groups gnomAD compares: Non-Finnish European, 0.00068%; no homozygotes.

Submission:

Labcorp Genetics (formerly Invitae), Labcorp
Classification: Uncertain significance for Hereditary nonpolyposis colorectal neoplasms. Last evaluated: 2021-09-19. Review status: criteria provided, single submitter. Criteria: Invitae Variant Classification Sherloc (09022015). Collection method: clinical testing. Allele origin: germline.
Comment: In summary, the available evidence is currently insufficient to determine the role of this variant in disease. Therefore, it has been classified as a Variant of Uncertain Significance. Advanced modeling of protein sequence and biophysical properties (such as structural, functional, and spatial information, amino acid conservation, physicochemical variation, residue mobility, and thermodynamic stability) performed at Invitae indicates that this missense variant is not expected to disrupt PMS2 protein function. This variant has not been reported in the literature in individuals affected with PMS2-related conditions. This variant is not present in population databases (ExAC no frequency). This sequence change replaces serine with alanine at codon 456 of the PMS2 protein (p.Ser456Ala). The serine residue is weakly conserved and there is a moderate physicochemical difference between serine and alanine.

NM_000535.7(PMS2):c.1366T>G (p.Ser456Ala)

Gene: PMS2 (PMS1 homolog 2, mismatch repair system component; minus strand). Cytogenetic location: 7p22.1.
Variant type: single nucleotide variant.
Coding change: c.1366T>G on transcript NM_000535.7 (MANE Select); coding-DNA position 1366, T replaced by G.
Protein change: p.Ser456Ala; replaces serine 456 with alanine.
Molecular consequence: missense variant. On other transcripts: non-coding transcript variant (1).
Genome position (GRCh38, 1-based): chr7:5,987,399, A>C on the plus strand (T>G on the coding strand, the complement: PMS2 is on the minus strand). VCF-style: chr7-5987399-A-C. GRCh37 (hg19) VCF-style: chr7-6027030-A-C.
Other names: c.961T>G, p.Ser321Ala (NM_001322003.2, NM_001322004.2, NM_001322005.2 and 1 more transcripts); c.1210T>G, p.Ser404Ala (NM_001322006.2); c.1048T>G, p.Ser350Ala (NM_001322007.2, NM_001322008.2); c.805T>G, p.Ser269Ala (NM_001322010.2); c.433T>G, p.Ser145Ala (NM_001322011.2, NM_001322012.2); c.793T>G, p.Ser265Ala (NM_001322013.2); c.1366T>G, p.Ser456Ala (NM_001322014.2); c.1057T>G, p.Ser353Ala (NM_001322015.2); short protein forms S265A, S269A, S456A, S145A, S350A, S353A, S404A, S321A.
Identifiers: ClinVar variation 1382189 (VCV001382189.6), dbSNP rs2128732309, ClinGen allele CA366742230.
Genomic context (GRCh38, chr7:5,987,399, plus strand): 5'-TCACTGCCTCTTTCTGAGGTCTCAGGACGCCTTTGTCAGAGATGGCACCTGAAGTGCTAG[A>C]AGACAGCATACCCCTTTTCTGTCCTAGAGGGCTCCTTCTTGGTTCTGGAGTCTTTGGGCT-3'
Protein context (NP_000526.2, residues 446-466): PLGQKRGMLS[Ser456Ala]STSGAISDKG